The following is an entry in ClinVar:

NM_000045.4(ARG1):c.189del (p.Gln65fs)

Genes: ARG1 (arginase 1; plus strand), MED23 (mediator complex subunit 23; minus strand). Cytogenetic location: 6q23.2.
Variant type: Deletion.
Coding change: c.189del on transcript NM_000045.4 (MANE Select); coding-DNA position 189, one base deleted (C; older notation c.189delC).
Protein change: p.Gln65fs; shifts the reading frame from glutamine 65.
Molecular consequence: frameshift variant. On other transcripts: non-coding transcript variant (1), intron variant (2).
Genome position (GRCh38, 1-based): chr6:131,579,169, C deleted; the last of 3 consecutive C bases (chr6:131,579,167-131,579,169); deleting any one gives the same sequence. VCF-style (leftmost placement, unchanged base first): chr6-131579166-TC-T. GRCh37 (hg19) VCF-style: chr6-131900306-TC-T.
Other names: c.213del, p.Gln73fs (NM_001244438.2); c.189del, p.Gln65fs (NM_001369020.1); c.4078-4872del (NM_001270521.2); c.4096-4872del (NM_015979.4); short protein forms Q65fs, Q73fs.
Identifiers: ClinVar variation 578126 (VCV000578126.8), dbSNP rs1562356664, ClinGen allele CA891842593.

ClinVar aggregate classification (germline): Pathogenic (1 of 4 stars; one submission).

Conditions:
Arginase deficiency. Also called: ARGININEMIA; ARG1 DEFICIENCY; Arginase 1 Deficiency. Identifiers: Orphanet 90, MedGen C0268548, MONDO:0008814, OMIM 207800.

Submission:

Labcorp Genetics (formerly Invitae), Labcorp
Classification: Pathogenic for Arginase deficiency. Last evaluated: 2018-04-23. Review status: criteria provided, single submitter. Criteria: Invitae Variant Classification Sherloc (09022015). Collection method: clinical testing. Allele origin: germline.
Comment: Loss-of-function variants in ARG1 are known to be pathogenic (PMID: 7649538, 12052859). This variant has not been reported in the literature in individuals with ARG1-related disease. This variant is not present in population databases (ExAC no frequency). This sequence change creates a premature translational stop signal (p.Gln65Lysfs*3) in the ARG1 gene. It is expected to result in an absent or disrupted protein product. For these reasons, this variant has been classified as Pathogenic.

Literature cited by the submitters: PubMed 7649538; PubMed 12052859.